The following is an entry in ClinVar:

ClinVar aggregate classification (germline): Uncertain significance. Review status: criteria provided, multiple submitters, no conflicts (2 of 4 stars). 2 submissions from 2 submitters: Uncertain significance (2). Last evaluated 2024-04-29.

Conditions:
Hereditary hyperferritinemia with congenital cataracts. Also called: HYPERFERRITINEMIA WITH OR WITHOUT CATARACT; Hereditary hyperferritinemia cataract syndrome; Bonneau-Beaumont syndrome. Identifiers: Orphanet 163, MedGen C1833213, MONDO:0010952, OMIM 600886.
Neuroferritinopathy (NBIA3). Also called: NEURODEGENERATION WITH BRAIN IRON ACCUMULATION 3; BASAL GANGLIA DISEASE, ADULT-ONSET. Identifiers: Orphanet 157846, MedGen C1853578, MONDO:0011638, OMIM 606159.

Allele frequency attached by ClinVar (database versions not stated): TOPMed below 0.00001; gnomAD 0.00001; gnomAD exomes 0.00001.
gnomAD v4.1: 4 of 1,614,068 alleles (0.00025%); highest among the groups gnomAD compares: Non-Finnish European, 0.00034%; no homozygotes.

Submissions (2):

Labcorp Genetics (formerly Invitae), Labcorp
Classification: Uncertain significance for Neuroferritinopathy; Hereditary hyperferritinemia with congenital cataracts. Last evaluated: 2024-04-29. Review status: criteria provided, single submitter. Criteria: Invitae Variant Classification Sherloc (09022015). Collection method: clinical testing. Allele origin: germline.
Comment: This sequence change replaces methionine, which is neutral and non-polar, with isoleucine, which is neutral and non-polar, at codon 69 of the FTL protein (p.Met69Ile). This variant is present in population databases (no rsID available, gnomAD 0.002%). This variant has not been reported in the literature in individuals affected with FTL-related conditions. ClinVar contains an entry for this variant (Variation ID: 429961). An algorithm developed to predict the effect of missense changes on protein structure and function (PolyPhen-2) suggests that this variant is likely to be tolerated. In summary, the available evidence is currently insufficient to determine the role of this variant in disease. Therefore, it has been classified as a Variant of Uncertain Significance.

GeneDx
Classification: Uncertain significance. Last evaluated: 2017-05-17. Review status: criteria provided, single submitter. Criteria: GeneDx Variant Classification (06012015). Collection method: clinical testing. Allele origin: germline. Affected: yes.
Comment: The M69I variant in the FTL gene has not been reported previously as a pathogenic variant, nor as a benign variant, to our knowledge. The M69I variant is not observed in large population cohorts (Lek et al., 2016; 1000 Genomes Consortium et al., 2015; Exome Variant Server). The M69I variant is a conservative amino acid substitution, which is not likely to impact secondary protein structure as these residues share similar properties. This substitution occurs at a position that is not conserved. In silico analysis is inconsistent in its predictions as to whether or not the variant is damaging to the protein structure/function. We interpret M69I as a variant of uncertain significance.

NM_000146.4(FTL):c.207G>A (p.Met69Ile)

Gene: FTL (ferritin light chain; plus strand). Cytogenetic location: 19q13.33.
Variant type: single nucleotide variant.
Coding change: c.207G>A on transcript NM_000146.4 (MANE Select); coding-DNA position 207, G replaced by A.
Protein change: p.Met69Ile; replaces methionine 69 with isoleucine.
Molecular consequence: missense variant.
Genome position (GRCh38, 1-based): chr19:48,965,874, G>A. VCF-style: chr19-48965874-G-A. GRCh37 (hg19) VCF-style: chr19-49469131-G-A.
Other names: short protein forms M69I.
Identifiers: ClinVar variation 429961 (VCV000429961.7), dbSNP rs1131691701, ClinGen allele CA406756460.